The following is an entry in ClinVar:

NM_000264.5(PTCH1):c.2666A>G (p.Gln889Arg)

Gene: PTCH1 (patched 1; minus strand). Cytogenetic location: 9q22.32.
Variant type: single nucleotide variant.
Coding change: c.2666A>G on transcript NM_000264.5 (MANE Select); coding-DNA position 2666, A replaced by G.
Protein change: p.Gln889Arg; replaces glutamine 889 with arginine.
Molecular consequence: missense variant. On other transcripts: non-coding transcript variant (1).
Genome position (GRCh38, 1-based): chr9:95,461,893, T>C on the plus strand (A>G on the coding strand, the complement: PTCH1 is on the minus strand). VCF-style: chr9-95461893-T-C. GRCh37 (hg19) VCF-style: chr9-98224175-T-C.
Other names: c.2468A>G, p.Gln823Arg (NM_001083602.3); c.2663A>G, p.Gln888Arg (NM_001083603.3); c.2213A>G, p.Gln738Arg (NM_001083604.3, NM_001083605.3, NM_001083606.3 and 1 more transcripts); c.2510A>G, p.Gln837Arg (NM_001354918.2); short protein forms Q738R, Q823R, Q837R, Q888R, Q889R.
Identifiers: ClinVar variation 4862685 (VCV004862685.1).

ClinVar aggregate classification (germline): Uncertain significance (1 of 4 stars; one submission).

Conditions:
Hereditary cancer-predisposing syndrome. Also called: Neoplastic Syndromes, Hereditary; Tumor predisposition; Hereditary Cancer Syndrome; Hereditary neoplastic syndrome. Identifiers: Orphanet 140162, MedGen C0027672, MeSH D009386, MONDO:0015356.

Submission:

Ambry Genetics
Classification: Uncertain significance for Hereditary cancer-predisposing syndrome. Last evaluated: 2026-04-24. Review status: criteria provided, single submitter. Criteria: Ambry Variant Classification Scheme 2023. Collection method: clinical testing. Allele origin: germline.
Comment: The p.Q889R variant (also known as c.2666A>G), located in coding exon 16 of the PTCH1 gene, results from an A to G substitution at nucleotide position 2666. The glutamine at codon 889 is replaced by arginine, an amino acid with highly similar properties. This amino acid position is conserved. In addition, this alteration is predicted to be deleterious by in silico analysis. Based on the available evidence, the clinical significance of this variant remains unclear.